The following is an entry in ClinVar:

NM_005045.4(RELN):c.425G>T (p.Ser142Ile)

Gene: RELN (reelin; minus strand). Cytogenetic location: 7q22.1.
Variant type: single nucleotide variant.
Coding change: c.425G>T on transcript NM_005045.4 (MANE Select); coding-DNA position 425, G replaced by T.
Protein change: p.Ser142Ile; replaces serine 142 with isoleucine.
Molecular consequence: missense variant.
Genome position (GRCh38, 1-based): chr7:103,833,585, C>A on the plus strand (G>T on the coding strand, the complement: RELN is on the minus strand). VCF-style: chr7-103833585-C-A. GRCh37 (hg19) VCF-style: chr7-103474032-C-A.
Other names: c.425G>T, p.Ser142Ile (NM_173054.3); short protein forms S142I.
Identifiers: ClinVar variation 2921501 (VCV002921501.3), dbSNP rs758309566, ClinGen allele CA163972166.
Genomic context (GRCh38, chr7:103,833,585, plus strand): 5'-TTGGGTACTTACATGAAATTCACACAGCCTGTGCCCGCAGGTGGAGCAATCCAGATGAAA[C>A]TGAGGTTGGTTGTGGGCAGGTGACTCACGTGAGAGGCTACCACACTGCACATAAACTGGT-3'
Protein context (NP_005036.2, residues 132-152): HVSHLPTTNL[Ser142Ile]FIWIAPPAGT

ClinVar aggregate classification (germline): Uncertain significance (1 of 4 stars; one submission).

Conditions:
Norman-Roberts syndrome (LIS2). Also called: Lissencephaly 2 (Norman-Roberts type). Identifiers: Orphanet 89844, MedGen C0796089, MONDO:0009760, OMIM 257320.
Familial temporal lobe epilepsy 7. Identifiers: Orphanet 101046, MedGen C4225327, MONDO:0014639, OMIM 616436.

gnomAD v4.1: 6 of 1,614,034 alleles (0.00037%); highest among the groups gnomAD compares: Non-Finnish European, 0.00051%; no homozygotes.

Submission:

Labcorp Genetics (formerly Invitae), Labcorp
Classification: Uncertain significance for Familial temporal lobe epilepsy 7; Norman-Roberts syndrome. Last evaluated: 2024-03-03. Review status: criteria provided, single submitter. Criteria: Invitae Variant Classification Sherloc (09022015). Collection method: clinical testing. Allele origin: germline.
Comment: This sequence change replaces serine, which is neutral and polar, with isoleucine, which is neutral and non-polar, at codon 142 of the RELN protein (p.Ser142Ile). This variant is present in population databases (rs758309566, gnomAD 0.0009%). This variant has not been reported in the literature in individuals affected with RELN-related conditions. Advanced modeling of protein sequence and biophysical properties (such as structural, functional, and spatial information, amino acid conservation, physicochemical variation, residue mobility, and thermodynamic stability) performed at Invitae indicates that this missense variant is not expected to disrupt RELN protein function with a negative predictive value of 80%. In summary, the available evidence is currently insufficient to determine the role of this variant in disease. Therefore, it has been classified as a Variant of Uncertain Significance.